The following is an entry in ClinVar:

ClinVar aggregate classification (germline): Likely pathogenic. Review status: criteria provided, multiple submitters, no conflicts (2 of 4 stars). 2 submissions from 2 submitters: Likely pathogenic (2). Last evaluated 2026-07-03.

Conditions:
Adult hypophosphatasia. Identifiers: Orphanet 247676, Orphanet 436, MedGen C0268413, MONDO:1010154, OMIM 146300, MONDO:0007798.

gnomAD v4.1: 3 of 1,614,076 alleles (0.00019%); highest among the groups gnomAD compares: Non-Finnish European, 0.00025%; no homozygotes.

Submissions (2):

MVZ Martinsried, Medicover Genetics
Classification: Likely pathogenic for Adult hypophosphatasia. Last evaluated: 2026-07-03. Review status: criteria provided, single submitter. Criteria: ClinGen Variant Curation SOP V3.2 + Classification Guidance July2025. Collection method: clinical testing. Allele origin: unknown. Affected: yes. Observed: 1 heterozygote.

Labcorp Genetics (formerly Invitae), Labcorp
Classification: Likely pathogenic. Last evaluated: 2024-03-01. Review status: criteria provided, single submitter. Criteria: Invitae Variant Classification Sherloc (09022015). Collection method: clinical testing. Allele origin: germline.
Comment: This sequence change replaces glutamic acid, which is acidic and polar, with glutamine, which is neutral and polar, at codon 191 of the ALPL protein (p.Glu191Gln). This variant is present in population databases (no rsID available, gnomAD 0.0009%). This variant has not been reported in the literature in individuals affected with ALPL-related conditions. Advanced modeling of protein sequence and biophysical properties (such as structural, functional, and spatial information, amino acid conservation, physicochemical variation, residue mobility, and thermodynamic stability) performed at Invitae indicates that this missense variant is expected to disrupt ALPL protein function with a positive predictive value of 95%. This variant disrupts the p.Glu191 amino acid residue in ALPL. Other variant(s) that disrupt this residue have been determined to be pathogenic (PMID: 12357339, 15671102, 24569605, 31707452). This suggests that this residue is clinically significant, and that variants that disrupt this residue are likely to be disease-causing. In summary, the currently available evidence indicates that the variant is pathogenic, but additional data are needed to prove that conclusively. Therefore, this variant has been classified as Likely Pathogenic.

Literature cited by the submitters: PubMed 12357339 (cited by Labcorp Genetics (formerly Invitae), Labcorp); PubMed 15671102 (cited by Labcorp Genetics (formerly Invitae), Labcorp); PubMed 24569605 (cited by Labcorp Genetics (formerly Invitae), Labcorp); PubMed 31707452 (cited by Labcorp Genetics (formerly Invitae), Labcorp).

NM_000478.6(ALPL):c.571G>C (p.Glu191Gln)

Gene: ALPL (alkaline phosphatase, biomineralization associated; plus strand). Cytogenetic location: 1p36.12.
Variant type: single nucleotide variant.
Coding change: c.571G>C on transcript NM_000478.6 (MANE Select); coding-DNA position 571, G replaced by C.
Protein change: p.Glu191Gln; replaces glutamic acid 191 with glutamine.
Molecular consequence: missense variant.
Genome position (GRCh38, 1-based): chr1:21,564,139, G>C. VCF-style: chr1-21564139-G-C. GRCh37 (hg19) VCF-style: chr1-21890632-G-C.
Other names: c.406G>C, p.Glu136Gln (NM_001127501.4); c.340G>C, p.Glu114Gln (NM_001177520.3); c.571G>C, p.Glu191Gln (NM_001369803.2, NM_001369804.2, NM_001369805.2); short protein forms E191Q, E114Q, E136Q.
Identifiers: ClinVar variation 2846601 (VCV002846601.4), dbSNP rs121918007, ClinGen allele CA338878094.